The following is an entry in ClinVar:

NM_172351.3(CD46):c.572G>C (p.Cys191Ser)

Gene: CD46 (CD46 molecule; plus strand). Cytogenetic location: 1q32.2.
Variant type: single nucleotide variant.
Coding change: c.572G>C on transcript NM_172351.3 (MANE Select); coding-DNA position 572, G replaced by C.
Protein change: p.Cys191Ser; replaces cysteine 191 with serine.
Molecular consequence: missense variant.
Genome position (GRCh38, 1-based): chr1:207,761,345, G>C. VCF-style: chr1-207761345-G-C. GRCh37 (hg19) VCF-style: chr1-207934690-G-C.
Other names: c.572G>C, p.Cys191Ser (NM_002389.4, NM_153826.4, NM_172350.3 and 8 more transcripts); short protein forms C191S.
Identifiers: ClinVar variation 4291153 (VCV004291153.1).

ClinVar aggregate classification (germline): Uncertain significance (1 of 4 stars; one submission).

Conditions:
Atypical hemolytic-uremic syndrome. Identifiers: Orphanet 2134, MedGen C2931788, MONDO:0016244.

Submission:

Genomenon, Inc
Classification: Uncertain significance for Atypical hemolytic-uremic syndrome. Last evaluated: 2025-10-02. Review status: criteria provided, single submitter. Criteria: Genomenon Sequence Variant Interpretation Standards. Collection method: curation. Allele origin: germline. Affected: yes.
Comment: CD46 p.Cys191Ser (c.572G>C) is a missense variant that changes the amino acid at residue 191 from Cysteine to Serine. This variant has been observed in at least one proband affected with atypical hemolytic-uremic syndrome (PMID:28821363). It is absent or not present at a significant frequency in gnomAD. In silico models agree that this variant is possibly or probably damaging. In conclusion, we classify CD46 p.Cys191Ser (c.572G>C) as a variant of uncertain significance.

Literature cited by the submitters: PubMed 28821363.